The following is an entry in ClinVar:

ClinVar aggregate classification (germline): Uncertain significance (1 of 4 stars; one submission).

Conditions:
Cowden syndrome 6 (CWS6). Identifiers: Orphanet 201, MedGen C3554519, MONDO:0014048, OMIM 615109.

Submission:

Labcorp Genetics (formerly Invitae), Labcorp
Classification: Uncertain significance for Cowden syndrome 6. Last evaluated: 2024-02-24. Review status: criteria provided, single submitter. Criteria: Invitae Variant Classification Sherloc (09022015). Collection method: clinical testing. Allele origin: germline.
Comment: This sequence change falls in intron 9 of the AKT1 gene. It does not directly change the encoded amino acid sequence of the AKT1 protein. It affects a nucleotide within the consensus splice site. This variant is not present in population databases (gnomAD no frequency). This variant has not been reported in the literature in individuals affected with AKT1-related conditions. ClinVar contains an entry for this variant (Variation ID: 944695). Variants that disrupt the consensus splice site are a relatively common cause of aberrant splicing (PMID: 17576681, 9536098). Algorithms developed to predict the effect of sequence changes on RNA splicing suggest that this variant is not likely to affect RNA splicing. In summary, the available evidence is currently insufficient to determine the role of this variant in disease. Therefore, it has been classified as a Variant of Uncertain Significance.

Literature cited by the submitters: PubMed 17576681; PubMed 9536098.

NM_001382430.1(AKT1):c.828+6C>G

Gene: AKT1 (AKT serine/threonine kinase 1; minus strand). Cytogenetic location: 14q32.33.
Variant type: single nucleotide variant.
Coding change: c.828+6C>G on transcript NM_001382430.1 (MANE Select); 6 bases into the intron after coding-DNA position 828, C replaced by G.
Molecular consequence: intron variant.
Genome position (GRCh38, 1-based): chr14:104,773,449, G>C on the plus strand (C>G on the coding strand, the complement: AKT1 is on the minus strand). VCF-style: chr14-104773449-G-C. GRCh37 (hg19) VCF-style: chr14-105239786-G-C.
Other names: c.828+6C>G (NM_001014431.2, NM_001014432.2, NM_001382433.1 and 3 more transcripts).
Identifiers: ClinVar variation 944695 (VCV000944695.9), dbSNP rs1892515105, ClinGen allele CA1139663767.
Genomic context (GRCh38, chr14:104,773,449, plus strand): 5'-AGGTGGCCTCAGGTCAGTGCCGCCAGGCCCCCAGGGCCCTGCCCCCCTGCCTGCCCGCCA[G>C]CGCACCTTGAGGTCCCGGTACACCACGTTCTTCTCCGAGTGCAGGTAGTCCAGGGCTGAC-3'